The following is an entry in ClinVar:

ClinVar aggregate classification (germline): Uncertain significance (1 of 4 stars; one submission).

Conditions:
Dyskeratosis congenita, autosomal recessive 6 (DKCB6). Identifiers: MedGen C4225356, MONDO:0014600, OMIM 616353.
Pulmonary fibrosis and/or bone marrow failure, Telomere-related, 4. Also called: PULMONARY FIBROSIS AND/OR BONE MARROW FAILURE SYNDROME, TELOMERE-RELATED, 4. Identifiers: Orphanet 2032, MedGen C4225347, MONDO:0014612, OMIM 616371.

Allele frequency attached by ClinVar (database versions not stated): gnomAD exomes below 0.00001.
gnomAD v4.1: 1 of 1,606,514 alleles (0.000062%); highest among the groups gnomAD compares: Non-Finnish European, 0.000085%; no homozygotes.

Submission:

Labcorp Genetics (formerly Invitae), Labcorp
Classification: Uncertain significance for Dyskeratosis congenita, autosomal recessive 6; Pulmonary fibrosis and/or bone marrow failure, Telomere-related, 4. Last evaluated: 2022-07-12. Review status: criteria provided, single submitter. Criteria: Invitae Variant Classification Sherloc (09022015). Collection method: clinical testing. Allele origin: germline.
Comment: Algorithms developed to predict the effect of missense changes on protein structure and function (SIFT, PolyPhen-2, Align-GVGD) all suggest that this variant is likely to be disruptive. In summary, the available evidence is currently insufficient to determine the role of this variant in disease. Therefore, it has been classified as a Variant of Uncertain Significance. This variant has not been reported in the literature in individuals affected with PARN-related conditions. This variant is not present in population databases (gnomAD no frequency). This sequence change replaces phenylalanine, which is neutral and non-polar, with serine, which is neutral and polar, at codon 93 of the PARN protein (p.Phe93Ser).

NM_002582.4(PARN):c.278T>C (p.Phe93Ser)

Gene: PARN (poly(A)-specific ribonuclease; minus strand). Cytogenetic location: 16p13.12.
Variant type: single nucleotide variant.
Coding change: c.278T>C on transcript NM_002582.4 (MANE Select); coding-DNA position 278, T replaced by C.
Protein change: p.Phe93Ser; replaces phenylalanine 93 with serine.
Molecular consequence: missense variant. On other transcripts: intron variant (1).
Genome position (GRCh38, 1-based): chr16:14,627,155, A>G on the plus strand (T>C on the coding strand, the complement: PARN is on the minus strand). VCF-style: chr16-14627155-A-G. GRCh37 (hg19) VCF-style: chr16-14721012-A-G.
Other names: c.95T>C, p.Phe32Ser (NM_001134477.3); c.159-19T>C (NM_001242992.2); short protein forms F32S, F93S.
Identifiers: ClinVar variation 2421475 (VCV002421475.4), dbSNP rs2508624866, ClinGen allele CA394816011.